The following is an entry in ClinVar:

NM_001276345.2(TNNT2):c.55G>T (p.Ala19Ser)

Gene: TNNT2 (troponin T2, cardiac type; minus strand). Cytogenetic location: 1q32.1.
Variant type: single nucleotide variant.
Coding change: c.55G>T on transcript NM_001276345.2 (MANE Select); coding-DNA position 55, G replaced by T.
Protein change: p.Ala19Ser; replaces alanine 19 with serine.
Molecular consequence: missense variant. On other transcripts: intron variant (2).
Genome position (GRCh38, 1-based): chr1:201,372,039, C>A on the plus strand (G>T on the coding strand, the complement: TNNT2 is on the minus strand). VCF-style: chr1-201372039-C-A. GRCh37 (hg19) VCF-style: chr1-201341167-C-A.
Other names: c.55G>T, p.Ala19Ser (NM_000364.4, NM_001001430.3, NM_001001431.3 and 7 more transcripts); c.52+106G>T (NM_001001432.3, NM_001406728.1); short protein forms A19S.
Identifiers: ClinVar variation 2933520 (VCV002933520.4), dbSNP rs2527137527, ClinGen allele CA344208075.

ClinVar aggregate classification (germline): Uncertain significance. Review status: criteria provided, multiple submitters, no conflicts (2 of 4 stars). 2 submissions from 2 submitters: Uncertain significance (2). Last evaluated 2025-08-30.

Conditions:
Hypertrophic cardiomyopathy 2. Also called: TNNT2-Related Familial Hypertrophic Cardiomyopathy. Identifiers: MedGen C1861864, MONDO:0007266, OMIM 115195.
Dilated cardiomyopathy 1D. Identifiers: Orphanet 154, Orphanet 54260, MedGen C1832243, MONDO:0011095, OMIM 601494.
Cardiomyopathy, familial restrictive, 3. Identifiers: Orphanet 75249, MedGen C2676271, MONDO:0012900, OMIM 612422.
Cardiomyopathy (CMYO). Also called: Cardiomyopathies. Identifiers: Orphanet 167848, MedGen C0878544, MONDO:0004994, HP:0001638. Inheritance: Various modes of inheritance.

Submissions (2):

Color Diagnostics, LLC DBA Color Health
Classification: Uncertain significance for Cardiomyopathy. Last evaluated: 2025-08-30. Review status: criteria provided, single submitter. Criteria: ACMG Guidelines, 2015. Collection method: clinical testing. Allele origin: germline.
Comment: This missense variant replaces alanine with serine at codon 19 of the TNNT2 protein. Computational prediction suggests that this variant may not impact protein structure and function. To our knowledge, functional studies have not been reported for this variant. This variant has not been reported in individuals affected with TNNT2-related disorders in the literature. This variant has not been identified in the general population by the Genome Aggregation Database (gnomAD). The available evidence is insufficient to determine the role of this variant in disease conclusively. Therefore, this variant is classified as a Variant of Uncertain Significance.

Labcorp Genetics (formerly Invitae), Labcorp
Classification: Uncertain significance for Cardiomyopathy, familial restrictive, 3; Hypertrophic cardiomyopathy 2; Dilated cardiomyopathy 1D. Last evaluated: 2023-01-27. Review status: criteria provided, single submitter. Criteria: Invitae Variant Classification Sherloc (09022015). Collection method: clinical testing. Allele origin: germline.
Comment: This variant is not present in population databases (gnomAD no frequency). In summary, the available evidence is currently insufficient to determine the role of this variant in disease. Therefore, it has been classified as a Variant of Uncertain Significance. Advanced modeling of protein sequence and biophysical properties (such as structural, functional, and spatial information, amino acid conservation, physicochemical variation, residue mobility, and thermodynamic stability) has been performed at Invitae for this missense variant, however the output from this modeling did not meet the statistical confidence thresholds required to predict the impact of this variant on TNNT2 protein function. This variant has not been reported in the literature in individuals affected with TNNT2-related conditions. This sequence change replaces alanine, which is neutral and non-polar, with serine, which is neutral and polar, at codon 19 of the TNNT2 protein (p.Ala19Ser).